The following is an entry in ClinVar:

ClinVar aggregate classification (germline): Pathogenic (1 of 4 stars; one submission).

Conditions:
Mucopolysaccharidosis, MPS-III-D (MPS3D). Also called: MPS IIID (Sanfilippo Syndrome Type D); N-ACETYLGLUCOSAMINE-6-SULFATASE DEFICIENCY; SANFILIPPO SYNDROME D; MPS III D; Mucopoly-saccharidosis type 3D; N-acetylglucosamine-6-sulfate sulfatase deficiency. Identifiers: Orphanet 581, Orphanet 79272, MedGen C0086650, MONDO:0009658, OMIM 252940.

Submission:

Labcorp Genetics (formerly Invitae), Labcorp
Classification: Pathogenic for Mucopolysaccharidosis, MPS-III-D. Last evaluated: 2025-11-26. Review status: criteria provided, single submitter. Criteria: Invitae Variant Classification Sherloc (09022015). Collection method: clinical testing. Allele origin: germline.
Comment: This sequence change creates a premature translational stop signal (p.His107Leufs*2) in the GNS gene. It is expected to result in an absent or disrupted protein product. Loss-of-function variants in GNS are known to be pathogenic (PMID: 20232353). This variant is not present in population databases (gnomAD no frequency). This variant has not been reported in the literature in individuals affected with GNS-related conditions. ClinVar contains an entry for this variant (Variation ID: 2759930). For these reasons, this variant has been classified as Pathogenic.

Literature cited by the submitters: PubMed 20232353.

NM_002076.4(GNS):c.320_326del (p.His107fs)

Gene: GNS (glucosamine (N-acetyl)-6-sulfatase; minus strand). Cytogenetic location: 12q14.3.
Variant type: Deletion.
Coding change: c.320_326del on transcript NM_002076.4 (MANE Select); coding-DNA positions 320 to 326, 7 bases deleted (ATCACGT; older notation c.320_326delATCACGT).
Protein change: p.His107fs; shifts the reading frame from histidine 107.
Molecular consequence: frameshift variant.
Genome position (GRCh38, 1-based): chr12:64,747,845-64,747,851, ACGTGAT deleted on the plus strand (ATCACGT on the coding strand, the reverse complement: GNS is on the minus strand). VCF-style (leftmost placement, unchanged base first): chr12-64747844-AACGTGAT-A. GRCh37 (hg19) VCF-style: chr12-65141624-AACGTGAT-A.
Other names: short protein forms H107fs.
Identifiers: ClinVar variation 2759930 (VCV002759930.3), dbSNP rs2539527952, ClinGen allele CA2697559342.